The following is an entry in ClinVar:

NM_001142864.4(PIEZO1):c.2860C>T (p.Arg954Trp)

Genes: HSALR1 (HSP90AB1 associated lncRNA 1; plus strand), PIEZO1 (piezo type mechanosensitive ion channel component 1 (Er blood group); minus strand). Cytogenetic location: 16q24.3.
Variant type: single nucleotide variant.
Coding change: c.2860C>T on transcript NM_001142864.4 (MANE Select); coding-DNA position 2860, C replaced by T.
Protein change: p.Arg954Trp; replaces arginine 954 with tryptophan.
Molecular consequence: missense variant.
Genome position (GRCh38, 1-based): chr16:88,732,466, G>A on the plus strand (C>T on the coding strand, the complement: PIEZO1 is on the minus strand). VCF-style: chr16-88732466-G-A. GRCh37 (hg19) VCF-style: chr16-88798874-G-A.
Other names: short protein forms R954W.
Identifiers: ClinVar variation 982873 (VCV000982873.14), dbSNP rs765257824, ClinGen allele CA286420479.

ClinVar aggregate classification (germline): Conflicting classifications of pathogenicity. Review status: criteria provided, conflicting classifications (1 of 4 stars). 5 submissions from 5 submitters: Uncertain significance (4); Benign (1). Last evaluated 2026-07-01.

Conditions:
Dehydrated hereditary stomatocytosis with or without pseudohyperkalemia and/or perinatal edema (DHS1). Also called: PSEUDOHYPERKALEMIA EDINBURGH; DEHYDRATED HEREDITARY STOMATOCYTOSIS AND PSEUDOHYPERKALEMIA; DEHYDRATED HEREDITARY STOMATOCYTOSIS WITH PSEUDOHYPERKALEMIA AND PERINATAL EDEMA; Pseudohyperkalemia, familial, 1, due to red cell leak; Dehydrated hereditary stomatocytosis 1 with or without pseudohyperkalemia and/or perinatal edema. Identifiers: Orphanet 3202, MedGen C4551512, MONDO:0008689, OMIM 194380.

Allele frequency attached by ClinVar (database versions not stated): TOPMed 0.00006.
gnomAD v4.1: 96 of 1,549,286 alleles (0.0062%); highest among the groups gnomAD compares: Middle Eastern, 0.017%; no homozygotes.

Submissions (5):

CeGaT Center for Human Genetics Tuebingen
Classification: Uncertain significance. Last evaluated: 2026-07-01. Review status: criteria provided, single submitter. Criteria: CeGaT Center For Human Genetics Tuebingen Variant Classification Criteria Version 2. Collection method: clinical testing. Allele origin: germline. Affected: yes. Observed: 1 variant allele.
Comment: PIEZO1: PM2

Labcorp Genetics (formerly Invitae), Labcorp
Classification: Benign. Last evaluated: 2025-09-03. Review status: criteria provided, single submitter. Criteria: Invitae Variant Classification Sherloc (09022015). Collection method: clinical testing. Allele origin: germline.

Blueprint Genetics
Classification: Uncertain significance. Last evaluated: 2024-09-14. Review status: criteria provided, single submitter. Criteria: ACMG Guidelines, 2015. Collection method: clinical testing. Allele origin: germline.

ARUP Laboratories, Molecular Genetics and Genomics, ARUP Laboratories
Classification: Uncertain significance. Last evaluated: 2020-07-14. Review status: criteria provided, single submitter. Criteria: ARUP Molecular Germline Variant Investigation Process. Collection method: clinical testing. Allele origin: germline.

Institute of Human Genetics, University of Leipzig Medical Center
Classification: Uncertain significance for Dehydrated hereditary stomatocytosis with or without pseudohyperkalemia and/or perinatal edema. Last evaluated: 2019-01-01. Review status: criteria provided, single submitter. Criteria: ACMG Guidelines, 2015. Collection method: clinical testing. Allele origin: unknown. Affected: yes.